The following is an entry in ClinVar:

ClinVar aggregate classification (germline): Conflicting classifications of pathogenicity. Review status: criteria provided, conflicting classifications (1 of 4 stars). 2 submissions from 2 submitters: Uncertain significance (1); Benign (1). Last evaluated 2024-12-13.

Conditions:
Hereditary cancer-predisposing syndrome. Also called: Neoplastic Syndromes, Hereditary; Hereditary Cancer Syndrome; Hereditary neoplastic syndrome; Tumor predisposition. Identifiers: Orphanet 140162, MedGen C0027672, MeSH D009386, MONDO:0015356.
Tuberous sclerosis 2 (TSC2). Identifiers: Orphanet 805, MedGen C1860707, MONDO:0013199, OMIM 613254.

Allele frequency attached by ClinVar (database versions not stated): ExAC 0.00002.
gnomAD v4.1: 6 of 1,613,436 alleles (0.00037%); highest among the groups gnomAD compares: East Asian, 0.011%; no homozygotes.

Submissions (2):

Ambry Genetics
Classification: Uncertain significance for Hereditary cancer-predisposing syndrome. Last evaluated: 2024-12-13. Review status: criteria provided, single submitter. Criteria: Ambry Variant Classification Scheme 2023. Collection method: clinical testing. Allele origin: germline.
Comment: The p.V586M variant (also known as c.1756G>A), located in coding exon 16 of the TSC2 gene, results from a G to A substitution at nucleotide position 1756. The valine at codon 586 is replaced by methionine, an amino acid with highly similar properties. This alteration was identified in 1 of 374 patients with clinically suspected TSC undergoing genetic testing within the TSC1 and TSC2 genes (Meng Y et al. J Hum Genet, 2021 Mar;66:227-236). This amino acid position is highly conserved in available vertebrate species. In addition, this alteration is predicted to be deleterious by in silico analysis. Based on the available evidence, the clinical significance of this variant remains unclear.

Labcorp Genetics (formerly Invitae), Labcorp
Classification: Benign for Tuberous sclerosis 2. Last evaluated: 2024-06-24. Review status: criteria provided, single submitter. Criteria: Invitae Variant Classification Sherloc (09022015). Collection method: clinical testing. Allele origin: germline.

Literature cited by the submitters: PubMed 32917966 (cited by Ambry Genetics).

NM_000548.5(TSC2):c.1756G>A (p.Val586Met)

Gene: TSC2 (TSC complex subunit 2; plus strand). Cytogenetic location: 16p13.3.
Variant type: single nucleotide variant.
Coding change: c.1756G>A on transcript NM_000548.5 (MANE Select); coding-DNA position 1756, G replaced by A.
Protein change: p.Val586Met; replaces valine 586 with methionine.
Molecular consequence: missense variant. On other transcripts: non-coding transcript variant (5).
Genome position (GRCh38, 1-based): chr16:2,070,495, G>A. VCF-style: chr16-2070495-G-A. GRCh37 (hg19) VCF-style: chr16-2120496-G-A.
Other names: c.1756G>A, p.Val586Met (NM_001406663.1, NM_001406664.1, NM_001406665.1 and 6 more transcripts); c.1846G>A, p.Val616Met (NM_001406667.1, NM_001406668.1); c.1645G>A, p.Val549Met (NM_001406670.1, NM_001318827.2, NM_001406678.1); c.1744G>A, p.Val582Met (NM_001406671.1, NM_001406673.1); c.1609G>A, p.Val537Met (NM_001406675.1, NM_001406676.1, NM_001318829.2 and 1 more transcripts); c.1156G>A, p.Val386Met (NM_001406686.1, NM_001406687.1, NM_001406688.1 and 6 more transcripts); c.412G>A, p.Val138Met (NM_001406689.1, NM_001406690.1, NM_001406691.1 and 6 more transcripts); c.1789G>A, p.Val597Met (NM_001318832.2); and 3 more; short protein forms V432M, V52M, V549M, V537M, V567M, V597M, V386M, V582M.
Identifiers: ClinVar variation 2819237 (VCV002819237.4), dbSNP rs779425782, ClinGen allele CA033393.